The following is an entry in ClinVar:

NM_000373.4(UMPS):c.811G>C (p.Asp271His)

Gene: UMPS (uridine monophosphate synthetase; plus strand). Cytogenetic location: 3q21.2.
Variant type: single nucleotide variant.
Coding change: c.811G>C on transcript NM_000373.4 (MANE Select); coding-DNA position 811, G replaced by C.
Protein change: p.Asp271His; replaces aspartic acid 271 with histidine.
Molecular consequence: missense variant. On other transcripts: non-coding transcript variant (2).
Genome position (GRCh38, 1-based): chr3:124,738,068, G>C. VCF-style: chr3-124738068-G-C. GRCh37 (hg19) VCF-style: chr3-124456915-G-C.
Other names: short protein forms D271H.
Identifiers: ClinVar variation 903542 (VCV000903542.11), dbSNP rs779077289, ClinGen allele CA2581712.

ClinVar aggregate classification (germline): Uncertain significance. Review status: criteria provided, multiple submitters, no conflicts (2 of 4 stars). 4 submissions from 4 submitters: Uncertain significance (4). Last evaluated 2025-09-28.

Conditions:
Oroticaciduria. Also called: Orotic aciduria. Identifiers: Orphanet 30, MedGen C0268128, HP:0003218.
Hereditary orotic aciduria, type 1. Also called: Orotic aciduria type 1; Oroticaciduria 1. Identifiers: MedGen C0268130.
Inborn genetic diseases. Identifiers: MedGen C0950123, MeSH D030342.

Allele frequency attached by ClinVar (database versions not stated): gnomAD 0.00004; gnomAD exomes 0.00004 and 0.00006; ExAC 0.00005; TOPMed 0.00003.
gnomAD v4.1: 86 of 1,614,108 alleles (0.0053%); highest among the groups gnomAD compares: Non-Finnish European, 0.007%; no homozygotes.

Submissions (4):

Labcorp Genetics (formerly Invitae), Labcorp
Classification: Uncertain significance for Hereditary orotic aciduria, type 1. Last evaluated: 2025-09-28. Review status: criteria provided, single submitter. Criteria: Invitae Variant Classification Sherloc (09022015). Collection method: clinical testing. Allele origin: germline.
Comment: This sequence change replaces aspartic acid, which is acidic and polar, with histidine, which is basic and polar, at codon 271 of the UMPS protein (p.Asp271His). This variant is present in population databases (rs779077289, gnomAD 0.009%). This variant has not been reported in the literature in individuals affected with UMPS-related conditions. ClinVar contains an entry for this variant (Variation ID: 903542). Invitae Evidence Modeling of protein sequence and biophysical properties (such as structural, functional, and spatial information, amino acid conservation, physicochemical variation, residue mobility, and thermodynamic stability) indicates that this missense variant is not expected to disrupt UMPS protein function with a negative predictive value of 80%. In summary, the available evidence is currently insufficient to determine the role of this variant in disease. Therefore, it has been classified as a Variant of Uncertain Significance.

Ambry Genetics
Classification: Uncertain significance for Inborn genetic diseases. Last evaluated: 2024-11-14. Review status: criteria provided, single submitter. Criteria: Ambry Variant Classification Scheme 2023. Collection method: clinical testing. Allele origin: germline.

Blueprint Genetics
Classification: Uncertain significance. Last evaluated: 2024-10-01. Review status: criteria provided, single submitter. Criteria: ACMG Guidelines, 2015. Collection method: clinical testing. Allele origin: germline.

Illumina Laboratory Services, Illumina
Classification: Uncertain significance for Hereditary orotic aciduria. Last evaluated: 2018-01-12. Review status: criteria provided, single submitter. Criteria: ICSL Variant Classification Criteria 13 December 2019. Collection method: clinical testing. Allele origin: germline.